The following is an entry in ClinVar:

ClinVar aggregate classification (germline): Uncertain significance (1 of 4 stars; one submission).

Conditions:
Cardiomyopathy (CMYO). Also called: Cardiomyopathies. Identifiers: Orphanet 167848, MedGen C0878544, MONDO:0004994, HP:0001638. Inheritance: Various modes of inheritance.

gnomAD v4.1: 1 of 1,614,080 alleles (0.000062%); no homozygotes.

Submission:

Color Diagnostics, LLC DBA Color Health
Classification: Uncertain significance for Cardiomyopathy. Last evaluated: 2020-11-16. Review status: criteria provided, single submitter. Criteria: ACMG Guidelines, 2015. Collection method: clinical testing. Allele origin: germline.
Comment: This variant causes a G to C nucleotide substitution at the -4 position of intron 23 of the MYH7 gene. Splice prediction tools and conservation analysis are inconclusive regarding the impact of this variant on RNA splicing. To our knowledge, functional studies have not been reported for this variant. This variant has not been reported in individuals affected with cardiovascular disorders in the literature. This variant has not been identified in the general population by the Genome Aggregation Database (gnomAD). The available evidence is insufficient to determine the role of this variant in disease conclusively. Therefore, this variant is classified as a Variant of Uncertain Significance.

NM_000257.4(MYH7):c.2923-4G>C

Gene: MYH7 (myosin heavy chain 7; minus strand). Cytogenetic location: 14q11.2.
Variant type: single nucleotide variant.
Coding change: c.2923-4G>C on transcript NM_000257.4 (MANE Select); 4 bases into the intron before coding-DNA position 2923, G replaced by C.
Molecular consequence: intron variant.
Genome position (GRCh38, 1-based): chr14:23,423,727, C>G on the plus strand (G>C on the coding strand, the complement: MYH7 is on the minus strand). VCF-style: chr14-23423727-C-G. GRCh37 (hg19) VCF-style: chr14-23892936-C-G.
Identifiers: ClinVar variation 1171749 (VCV001171749.2), dbSNP rs1391789257, ClinGen allele CA2499222590.
Genomic context (GRCh38, chr14:23,423,727, plus strand): 5'-GGTCAGCTTGGCAATGATCTCATCCAGCCCAGCCATCTCCTCTGTCAGGTTTTTCACCTG[C>G]CGACCAAGAATCCCATCTCCTTTAGGGTCAAAGGTCACCAGCTTGGTGCCATCTGTGGGG-3'